The following is an entry in ClinVar:

NM_133433.4(NIPBL):c.874A>T (p.Arg292Ter)

Gene: NIPBL (NIPBL cohesin loading factor; plus strand). Cytogenetic location: 5p13.2.
Variant type: single nucleotide variant.
Coding change: c.874A>T on transcript NM_133433.4 (MANE Select); coding-DNA position 874, A replaced by T.
Protein change: p.Arg292Ter; replaces arginine 292 with a stop codon.
Molecular consequence: nonsense.
Genome position (GRCh38, 1-based): chr5:36,975,781, A>T. VCF-style: chr5-36975781-A-T. GRCh37 (hg19) VCF-style: chr5-36975883-A-T.
Other names: c.874A>T, p.Arg292Ter (NM_015384.5); short protein forms R292*.
Identifiers: ClinVar variation 1998984 (VCV001998984.4), dbSNP rs2479122663, ClinGen allele CA359482105.

ClinVar aggregate classification (germline): Pathogenic (1 of 4 stars; one submission).

Conditions:
Cornelia de Lange syndrome 1 (CDLS1). Also called: Brachmann de Lange syndrome; NIPBL-Related Cornelia de Lange Syndrome; TYPUS DEGENERATIVUS AMSTELODAMENSIS. Identifiers: Orphanet 199, MedGen C4551851, MONDO:0007387, OMIM 122470.

Submission:

Labcorp Genetics (formerly Invitae), Labcorp
Classification: Pathogenic for Cornelia de Lange syndrome 1. Last evaluated: 2025-05-05. Review status: criteria provided, single submitter. Criteria: Invitae Variant Classification Sherloc (09022015). Collection method: clinical testing. Allele origin: germline.
Comment: This sequence change creates a premature translational stop signal (p.Arg292*) in the NIPBL gene. It is expected to result in an absent or disrupted protein product. Loss-of-function variants in NIPBL are known to be pathogenic (PMID: 15318302, 19763162, 23505322, 29995837). This variant is not present in population databases (gnomAD no frequency). This variant has not been reported in the literature in individuals affected with NIPBL-related conditions. ClinVar contains an entry for this variant (Variation ID: 1998984). For these reasons, this variant has been classified as Pathogenic.

Literature cited by the submitters: PubMed 15318302; PubMed 19763162; PubMed 23505322; PubMed 29995837.